The following is an entry in ClinVar:

ClinVar aggregate classification (germline): Uncertain significance (1 of 4 stars; one submission).

Conditions:
Congenital myasthenic syndrome 9. Also called: Myasthenic syndrome, congenital, 9, associated with acetylcholine receptor deficiency. Identifiers: Orphanet 590, MedGen C4225368, MONDO:0014587, OMIM 616325.
Fetal akinesia deformation sequence 1 (FADS1). Also called: Pena-Shokeir syndrome type I; Fetal akinesia sequence. Identifiers: Orphanet 994, MedGen C1276035, MONDO:0100101, OMIM 208150, HP:0001989.

Allele frequency attached by ClinVar (database versions not stated): gnomAD exomes below 0.00001.
gnomAD v4.1: 1 of 1,613,884 alleles (0.000062%); highest among the groups gnomAD compares: Non-Finnish European, 0.000085%; no homozygotes.

Submission:

Labcorp Genetics (formerly Invitae), Labcorp
Classification: Uncertain significance for Congenital myasthenic syndrome 9; Fetal akinesia deformation sequence 1. Last evaluated: 2022-09-28. Review status: criteria provided, single submitter. Criteria: Invitae Variant Classification Sherloc (09022015). Collection method: clinical testing. Allele origin: germline.
Comment: This sequence change replaces glutamic acid, which is acidic and polar, with glutamine, which is neutral and polar, at codon 346 of the MUSK protein (p.Glu346Gln). This variant is not present in population databases (gnomAD no frequency). This variant has not been reported in the literature in individuals affected with MUSK-related conditions. Advanced modeling of protein sequence and biophysical properties (such as structural, functional, and spatial information, amino acid conservation, physicochemical variation, residue mobility, and thermodynamic stability) performed at Invitae indicates that this missense variant is not expected to disrupt MUSK protein function. In summary, the available evidence is currently insufficient to determine the role of this variant in disease. Therefore, it has been classified as a Variant of Uncertain Significance.

NM_005592.4(MUSK):c.1036G>C (p.Glu346Gln)

Gene: MUSK (muscle associated receptor tyrosine kinase; plus strand). Cytogenetic location: 9q31.3.
Variant type: single nucleotide variant.
Coding change: c.1036G>C on transcript NM_005592.4 (MANE Select); coding-DNA position 1036, G replaced by C.
Protein change: p.Glu346Gln; replaces glutamic acid 346 with glutamine.
Molecular consequence: missense variant. On other transcripts: 5 prime UTR variant (1), intron variant (2).
Genome position (GRCh38, 1-based): chr9:110,767,935, G>C. VCF-style: chr9-110767935-G-C. GRCh37 (hg19) VCF-style: chr9-113530215-G-C.
Other names: c.-201G>C (NM_001369398.1); c.950+5727G>C (NM_001166280.2); c.920+5727G>C (NM_001166281.2); short protein forms E346Q.
Identifiers: ClinVar variation 1966720 (VCV001966720.2), dbSNP rs373788285, ClinGen allele CA374468950.